The following is an entry in ClinVar:

NM_000193.4(SHH):c.866C>A (p.Ser289Ter)

Gene: SHH (sonic hedgehog signaling molecule; minus strand). Cytogenetic location: 7q36.3.
Variant type: single nucleotide variant.
Coding change: c.866C>A on transcript NM_000193.4 (MANE Select); coding-DNA position 866, C replaced by A.
Protein change: p.Ser289Ter; replaces serine 289 with a stop codon.
Molecular consequence: nonsense. On other transcripts: intron variant (1).
Genome position (GRCh38, 1-based): chr7:155,803,423, G>T on the plus strand (C>A on the coding strand, the complement: SHH is on the minus strand). VCF-style: chr7-155803423-G-T. GRCh37 (hg19) VCF-style: chr7-155596117-G-T.
Other names: c.301+2873C>A (NM_001310462.2); short protein forms S289*.
Identifiers: ClinVar variation 430443 (VCV000430443.2), dbSNP rs1131691966, ClinGen allele CA370145879.

ClinVar aggregate classification (germline): Likely pathogenic (1 of 4 stars; one submission).

Submission:

GeneDx
Classification: Likely pathogenic. Last evaluated: 2016-09-26. Review status: criteria provided, single submitter. Criteria: GeneDx Variant Classification (06012015). Collection method: clinical testing. Allele origin: germline. Affected: yes.
Comment: The S29X variant has not been published as a pathogenic variant, nor has it been reported as a benign variant to our knowledge. This nonsense variant is predicted to cause loss of normal protein function through protein truncation; the last 174 amino acids are lost. Although the S289X variant was not observed in approximately 4300 individuals of European and African American ancestry in the NHLBI Exome Sequencing Project, the data was noted to have reduced depth of sequencing reads; however, our internal exome data with coverage of this region supports it has not been observed in unaffected controls. Therefore, this variant is likely pathogenic; however, the possibility that it is benign cannot be excluded.